The following is an entry in ClinVar:

NM_001042492.3(NF1):c.4335_4338del (p.Leu1446fs)

Gene: NF1 (neurofibromin 1; plus strand). Cytogenetic location: 17q11.2.
Variant type: Deletion.
Coding change: c.4335_4338del on transcript NM_001042492.3 (MANE Select); coding-DNA positions 4335 to 4338, 4 bases deleted (ACTT; older notation c.4335_4338delACTT).
Protein change: p.Leu1446fs; shifts the reading frame from leucine 1446.
Molecular consequence: frameshift variant.
Genome position (GRCh38, 1-based): chr17:31,259,034-31,259,037, ACTT deleted; deleting any 4 consecutive bases within chr17:31,259,033-31,259,037 gives the same sequence; the c. name uses the placement nearest the transcript's 3' end. VCF-style (leftmost placement, unchanged base first): chr17-31259032-ATACT-A. GRCh37 (hg19) VCF-style: chr17-29586050-ATACT-A.
Other names: c.4272_4275del, p.Leu1425fs (NM_000267.4); short protein forms L1425fs, L1446fs.
Identifiers: ClinVar variation 4856294 (VCV004856294.1).

ClinVar aggregate classification (germline): Likely pathogenic (1 of 4 stars; one submission).

Conditions:
Neurofibromatosis, type 1 (NF1). Also called: Peripheral type neurofibromatosis; NEUROFIBROMATOSIS, TYPE I, SOMATIC; VON RECKLINGHAUSEN DISEASE; Neurofibromatosis, type I. Identifiers: Orphanet 636, MedGen C0027831, MONDO:0018975, OMIM 162200. Disease mechanism: loss of function.

Submission:

3billion
Classification: Likely pathogenic for Neurofibromatosis, type 1. Last evaluated: 2026-01-21. Review status: criteria provided, single submitter. Criteria: ACMG Guidelines, 2015. Collection method: clinical testing. Allele origin: germline. Affected: yes.
Comment: The variant is not observed in the gnomAD v4.1.0 dataset. Predicted Consequence/Location: Frameshift: predicted to result in a loss or disruption of normal protein function through nonsense-mediated decay (NMD) or protein truncation. Multiple pathogenic variants are reported downstream of the variant. Therefore, this variant is classified as Likely pathogenic according to the recommendation of ACMG/AMP guideline.